The following is an entry in ClinVar:

ClinVar aggregate classification (germline): Benign. Review status: criteria provided, multiple submitters, no conflicts (2 of 4 stars). 3 submissions from 3 submitters: Benign (3). Last evaluated 2019-07-31.

Conditions:
Bartsocas-Papas syndrome 1. Also called: Bartsocas-Papas syndrome; MULTIPLE PTERYGIUM SYNDROME, ASLAN TYPE; PTERYGIUM, POPLITEAL, LETHAL TYPE. Identifiers: Orphanet 1234, MedGen C1849718, MONDO:0009901, OMIM 263650.

Allele frequency attached by ClinVar (database versions not stated): gnomAD exomes 0.75623; 1000 Genomes Project 0.76917; 1000 Genomes Project 30x 0.77014; gnomAD 0.78680 and 0.79267; TOPMed 0.79278.
gnomAD v4.1: 1,019,176 of 1,341,412 alleles (76%); highest among the groups gnomAD compares: African/African-American, 89%; 388,446 homozygotes.

Submissions (3):

GeneDx
Classification: Benign. Last evaluated: 2019-07-31. Review status: criteria provided, single submitter. Criteria: GeneDx Variant Classification Process June 2021. Collection method: clinical testing. Allele origin: germline. Affected: yes.

Illumina Laboratory Services, Illumina
Classification: Benign for Bartsocas-Papas syndrome 1. Last evaluated: 2017-04-27. Review status: criteria provided, single submitter. Criteria: ICSL Variant Classification Criteria 13 December 2019. Collection method: clinical testing. Allele origin: germline.
Comment: This variant was observed as part of a predisposition screen in an ostensibly healthy population. A literature search was performed for the gene, cDNA change, and amino acid change (where applicable). No publications were found based on this search. Allele frequency data from public databases was too high to be consistent with this variant causing disease. Therefore, this variant is classified as benign.

Breakthrough Genomics
Classification: Benign. Review status: criteria provided, single submitter. Criteria: ACMG Guidelines, 2015. Collection method: not provided. Allele origin: germline. Inheritance: Autosomal recessive inheritance. Affected: yes.

NM_020639.3(RIPK4):c.*90T>C

Gene: RIPK4 (receptor interacting serine/threonine kinase 4; minus strand). Cytogenetic location: 21q22.3.
Variant type: single nucleotide variant.
Coding change: c.*90T>C on transcript NM_020639.3 (MANE Select); 90 bases downstream of the stop codon, T replaced by C.
Molecular consequence: 3 prime UTR variant.
Genome position (GRCh38, 1-based): chr21:41,740,748, A>G on the plus strand (T>C on the coding strand, the complement: RIPK4 is on the minus strand). VCF-style: chr21-41740748-A-G. GRCh37 (hg19) VCF-style: chr21-43160908-A-G.
Identifiers: ClinVar variation 340006 (VCV000340006.9), dbSNP rs6586232, ClinGen allele CA10653634.